The following is an entry in ClinVar:

NM_014391.3(ANKRD1):c.271A>G (p.Ile91Val)

Gene: ANKRD1 (ankyrin repeat domain 1; minus strand). Cytogenetic location: 10q23.31.
Variant type: single nucleotide variant.
Coding change: c.271A>G on transcript NM_014391.3 (MANE Select); coding-DNA position 271, A replaced by G.
Protein change: p.Ile91Val; replaces isoleucine 91 with valine.
Molecular consequence: missense variant.
Genome position (GRCh38, 1-based): chr10:90,919,205, T>C on the plus strand (A>G on the coding strand, the complement: ANKRD1 is on the minus strand). VCF-style: chr10-90919205-T-C. GRCh37 (hg19) VCF-style: chr10-92678962-T-C.
Other names: short protein forms I91V.
Identifiers: ClinVar variation 1795149 (VCV001795149.2), dbSNP rs773244166, ClinGen allele CA5598804.

ClinVar aggregate classification (germline): Uncertain significance (1 of 4 stars; one submission).

Conditions:
Cardiovascular phenotype. Identifiers: MedGen CN230736.

Allele frequency attached by ClinVar (database versions not stated): gnomAD exomes below 0.00001; ExAC 0.00001.
gnomAD v4.1: 1 of 1,612,156 alleles (0.000062%); highest among the groups gnomAD compares: Admixed American, 0.0017%; no homozygotes.

Submission:

Ambry Genetics
Classification: Uncertain significance for Cardiovascular phenotype. Last evaluated: 2019-05-13. Review status: criteria provided, single submitter. Criteria: Ambry Variant Classification Scheme 2023. Collection method: clinical testing. Allele origin: germline.
Comment: The p.I91V variant (also known as c.271A>G), located in coding exon 3 of the ANKRD1 gene, results from an A to G substitution at nucleotide position 271. The isoleucine at codon 91 is replaced by valine, an amino acid with highly similar properties. This amino acid position is well conserved in available vertebrate species; however, valine is the reference amino acid in other vertebrate species. In addition, this alteration is predicted to be tolerated by in silico analysis. Since supporting evidence is limited at this time, the clinical significance of this alteration remains unclear.